The following is an entry in ClinVar:

NM_001146156.2(GSK3B):c.472_473dup (p.Lys159fs)

Gene: GSK3B (glycogen synthase kinase 3 beta; minus strand). Cytogenetic location: 3q13.33.
Variant type: Duplication.
Coding change: c.472_473dup on transcript NM_001146156.2 (MANE Select); coding-DNA positions 472 to 473, 2 bases duplicated (GT; older notation c.472_473dupGT).
Protein change: p.Lys159fs; shifts the reading frame from lysine 159.
Molecular consequence: frameshift variant.
Genome position (GRCh38, 1-based): chr3:119,923,377-119,923,378, AC duplicated on the plus strand (GT on the coding strand, the reverse complement: GSK3B is on the minus strand); duplicating any 2 consecutive bases within chr3:119,923,377-119,923,379 gives the same sequence; the c. name uses the placement nearest the transcript's 3' end. VCF-style (leftmost placement, unchanged base first): chr3-119923376-G-GAC. GRCh37 (hg19) VCF-style: chr3-119642223-G-GAC.
Other names: c.472_473dup, p.Lys159fs (NM_001354596.2, NM_002093.4); short protein forms K159fs.
Identifiers: ClinVar variation 3897594 (VCV003897594.1).
Genomic context (GRCh38, chr3:119,923,376, plus strand): 5'-CTCCTTGGTTCATAAAAAATGTTTTCTAAAATGGAAAATTGTTATGTTTTTACATACCTT[G>GAC]ACATAAATCACAGGGAGCGTCTGTTTGGCTCGACTATAGTGTCTGGCAACTCTGTATACT-3'

ClinVar aggregate classification (germline): Pathogenic (1 of 4 stars; one submission).

Conditions:
Intellectual disability. Also called: Intellectual functioning disability; intellectual disabilities; Intellectual developmental disorder. Identifiers: MedGen C3714756, MeSH D008607, MONDO:0001071, HP:0001249.

Submission:

Genetics Laboratory, UDIAT-Centre Diagnòstic, Hospital Universitari Parc Tauli
Classification: Pathogenic for intellectual disability. Last evaluated: 2025-02-25. Review status: criteria provided, single submitter. Criteria: ACMG Guidelines, 2015. Collection method: clinical testing. Allele origin: unknown. Inheritance: Autosomal dominant inheritance. Affected: yes.
Comment: PVS1_very strong;PM2_supporting;PM6_moderate